The following is an entry in ClinVar:

NM_001105206.3(LAMA4):c.1983A>T (p.Gln661His)

Gene: LAMA4 (laminin subunit alpha 4; minus strand). Cytogenetic location: 6q21.
Variant type: single nucleotide variant.
Coding change: c.1983A>T on transcript NM_001105206.3 (MANE Select); coding-DNA position 1983, A replaced by T.
Protein change: p.Gln661His; replaces glutamine 661 with histidine.
Molecular consequence: missense variant.
Genome position (GRCh38, 1-based): chr6:112,154,924, T>A on the plus strand (A>T on the coding strand, the complement: LAMA4 is on the minus strand). VCF-style: chr6-112154924-T-A. GRCh37 (hg19) VCF-style: chr6-112476126-T-A.
Other names: c.1962A>T, p.Gln654His (NM_001105207.3, NM_002290.5); short protein forms Q654H, Q661H.
Identifiers: ClinVar variation 3347799 (VCV003347799.1).

ClinVar aggregate classification (germline): Uncertain significance (0 of 4 stars; one submission).

Conditions:
LAMA4-related disorder. Also called: LAMA4-related condition.

Submission:

PreventionGenetics, part of Exact Sciences
Classification: Uncertain significance for LAMA4-related condition. Last evaluated: 2024-05-16. Review status: no assertion criteria provided. Collection method: clinical testing. Allele origin: germline.
Comment: The LAMA4 c.1962A>T variant is predicted to result in the amino acid substitution p.Gln654His. To our knowledge, this variant has not been reported in the literature or in a large population database, indicating this variant is rare. At this time, the clinical significance of this variant is uncertain due to the absence of conclusive functional and genetic evidence.